The following is an entry in ClinVar:

NM_003001.5(SDHC):c.140G>C (p.Gly47Ala)

Gene: SDHC (succinate dehydrogenase complex subunit C; plus strand). Cytogenetic location: 1q23.3.
Variant type: single nucleotide variant.
Coding change: c.140G>C on transcript NM_003001.5 (MANE Select); coding-DNA position 140, G replaced by C.
Protein change: p.Gly47Ala; replaces glycine 47 with alanine.
Molecular consequence: missense variant. On other transcripts: non-coding transcript variant (1), intron variant (4).
Genome position (GRCh38, 1-based): chr1:161,328,458, G>C. VCF-style: chr1-161328458-G-C. GRCh37 (hg19) VCF-style: chr1-161298248-G-C.
Other names: c.140G>C, p.Gly47Ala (NM_001035511.3, NM_001407115.1); c.83G>C, p.Gly28Ala (NM_001407116.1, NM_001407117.1, NM_001407121.1); c.29G>C, p.Gly10Ala (NM_001407119.1, NM_001407120.1); c.77+4788G>C (NM_001035512.3, NM_001278172.3, NM_001407118.1); c.21-12136G>C (NM_001035513.3); short protein forms G47A, G10A, G28A.
Identifiers: ClinVar variation 641223 (VCV000641223.9), dbSNP rs1571851599, ClinGen allele CA343361187.

ClinVar aggregate classification (germline): Uncertain significance. Review status: criteria provided, multiple submitters, no conflicts (2 of 4 stars). 2 submissions from 2 submitters: Uncertain significance (2). Last evaluated 2025-06-09.

Conditions:
Hereditary cancer-predisposing syndrome. Also called: Hereditary Cancer Syndrome; Tumor predisposition; Neoplastic Syndromes, Hereditary; Hereditary neoplastic syndrome. Identifiers: Orphanet 140162, MedGen C0027672, MeSH D009386, MONDO:0015356.
Gastrointestinal stromal tumor. Also called: Gastrointestinal stromal tumor, somatic; Gastrointestinal stroma tumor. Identifiers: Orphanet 44890, MedGen C0238198, MeSH D046152, MONDO:0011719, OMIM 606764, HP:0100723.
Pheochromocytoma/paraganglioma syndrome 3. Also called: SDHC-Related Hereditary Paraganglioma-Pheochromocytoma Syndrome (Paragangliomas 3); SDHC-Related Hereditary Paraganglioma-Pheochromocytoma Syndrome; Paragangliomas 3; GLOMUS TUMORS, FAMILIAL, 3. Identifiers: Orphanet 29072, MedGen C1854336, MONDO:0011544, OMIM 605373.

Submissions (2):

Labcorp Genetics (formerly Invitae), Labcorp
Classification: Uncertain significance for Pheochromocytoma/paraganglioma syndrome 3; Gastrointestinal stromal tumor. Last evaluated: 2025-06-09. Review status: criteria provided, single submitter. Criteria: Invitae Variant Classification Sherloc (09022015). Collection method: clinical testing. Allele origin: germline.
Comment: This sequence change replaces glycine, which is neutral and non-polar, with alanine, which is neutral and non-polar, at codon 47 of the SDHC protein (p.Gly47Ala). This variant is not present in population databases (gnomAD no frequency). This variant has not been reported in the literature in individuals affected with SDHC-related conditions. ClinVar contains an entry for this variant (Variation ID: 641223). An algorithm developed to predict the effect of missense changes on protein structure and function (PolyPhen-2) suggests that this variant is likely to be tolerated. In summary, the available evidence is currently insufficient to determine the role of this variant in disease. Therefore, it has been classified as a Variant of Uncertain Significance.

Ambry Genetics
Classification: Uncertain significance for Hereditary cancer-predisposing syndrome. Last evaluated: 2024-05-12. Review status: criteria provided, single submitter. Criteria: Ambry Variant Classification Scheme 2023. Collection method: clinical testing. Allele origin: germline.
Comment: The p.G47A variant (also known as c.140G>C), located in coding exon 3 of the SDHC gene, results from a G to C substitution at nucleotide position 140. The glycine at codon 47 is replaced by alanine, an amino acid with similar properties. This amino acid position is conserved. In addition, this alteration is predicted to be tolerated by in silico analysis. Based on the available evidence, the clinical significance of this variant remains unclear.